The following is an entry in ClinVar:

ClinVar aggregate classification (germline): Uncertain significance (1 of 4 stars; one submission).

Allele frequency attached by ClinVar (database versions not stated): gnomAD 0.00001; TOPMed 0.00001; ExAC 0.00003; gnomAD exomes 0.00004.
gnomAD v4.1: 57 of 1,612,614 alleles (0.0035%); highest among the groups gnomAD compares: Non-Finnish European, 0.0047%; no homozygotes.

Submission:

Labcorp Genetics (formerly Invitae), Labcorp
Classification: Uncertain significance. Last evaluated: 2023-01-21. Review status: criteria provided, single submitter. Criteria: Invitae Variant Classification Sherloc (09022015). Collection method: clinical testing. Allele origin: germline.
Comment: This variant is present in population databases (rs747666464, gnomAD 0.005%). In summary, the available evidence is currently insufficient to determine the role of this variant in disease. Therefore, it has been classified as a Variant of Uncertain Significance. Algorithms developed to predict the effect of sequence changes on RNA splicing suggest that this variant may create or strengthen a splice site. This variant has not been reported in the literature in individuals affected with HERC1-related conditions. This sequence change falls in intron 45 of the HERC1 gene. It does not directly change the encoded amino acid sequence of the HERC1 protein.

NM_003922.4(HERC1):c.9170+18A>G

Gene: HERC1 (HECT and RLD domain containing E3 ubiquitin protein ligase family member 1; minus strand). Cytogenetic location: 15q22.31.
Variant type: single nucleotide variant.
Coding change: c.9170+18A>G on transcript NM_003922.4 (MANE Select); 18 bases into the intron after coding-DNA position 9170, A replaced by G.
Molecular consequence: intron variant.
Genome position (GRCh38, 1-based): chr15:63,661,735, T>C on the plus strand (A>G on the coding strand, the complement: HERC1 is on the minus strand). VCF-style: chr15-63661735-T-C. GRCh37 (hg19) VCF-style: chr15-63953934-T-C.
Identifiers: ClinVar variation 1911145 (VCV001911145.5), dbSNP rs747666464, ClinGen allele CA7604791.